The following is an entry in ClinVar:

NM_001161352.2(KCNMA1):c.1737G>A (p.Arg579=)

Gene: KCNMA1 (potassium calcium-activated channel subfamily M alpha 1; minus strand). Cytogenetic location: 10q22.3.
Variant type: single nucleotide variant.
Coding change: c.1737G>A on transcript NM_001161352.2 (MANE Select); coding-DNA position 1737, G replaced by A.
Protein change: p.Arg579=; no amino-acid change (arginine 579 retained).
Molecular consequence: synonymous variant.
Genome position (GRCh38, 1-based): chr10:77,073,109, C>T on the plus strand (G>A on the coding strand, the complement: KCNMA1 is on the minus strand). VCF-style: chr10-77073109-C-T. GRCh37 (hg19) VCF-style: chr10-78832867-C-T.
Other names: c.1737G>A, p.Arg579= (NM_001014797.3, NM_001161353.2, NM_001271519.2 and 7 more transcripts); c.1575G>A, p.Arg525= (NM_001271518.2); c.1197G>A, p.Arg399= (NM_001322838.2).
Identifiers: ClinVar variation 532953 (VCV000532953.55), dbSNP rs76141718, ClinGen allele CA5568369.

ClinVar aggregate classification (germline): Likely benign. Review status: criteria provided, multiple submitters, no conflicts (2 of 4 stars). 5 submissions from 5 submitters: Likely benign (5). Last evaluated 2026-01-26.

Conditions:
KCNMA1-related disorder. Also called: KCNMA1-related disorders; KCNMA1-related condition.
Generalized epilepsy-paroxysmal dyskinesia syndrome (PNKD3). Also called: Generalized epilepsy and paroxysmal dyskinesia; Paroxysmal nonkinesigenic dyskinesia, 3, with or without generalized epilepsy. Identifiers: Orphanet 79137, MedGen C5574945, MONDO:0012276, OMIM 609446.

Allele frequency attached by ClinVar (database versions not stated): 1000 Genomes Project 30x 0.00016; 1000 Genomes Project 0.00020; gnomAD exomes 0.00023 and 0.00051; gnomAD 0.00025 and 0.00026; ExAC 0.00026; TOPMed 0.00028; ESP Exome Variant Server 0.00054.
gnomAD v4.1: 778 of 1,614,148 alleles (0.048%); highest among the groups gnomAD compares: Non-Finnish European, 0.061%; no homozygotes.

Submissions (5):

Labcorp Genetics (formerly Invitae), Labcorp
Classification: Likely benign for Generalized epilepsy-paroxysmal dyskinesia syndrome. Last evaluated: 2026-01-26. Review status: criteria provided, single submitter. Criteria: Invitae Variant Classification Sherloc (09022015). Collection method: clinical testing. Allele origin: germline.

CeGaT Center for Human Genetics Tuebingen
Classification: Likely benign. Last evaluated: 2025-12-01. Review status: criteria provided, single submitter. Criteria: CeGaT Center For Human Genetics Tuebingen Variant Classification Criteria Version 2. Collection method: clinical testing. Allele origin: germline. Affected: yes. Observed: 7 variant alleles.
Comment: KCNMA1: BP4

PreventionGenetics, part of Exact Sciences
Classification: Likely benign for KCNMA1-related condition. Last evaluated: 2025-01-02. Review status: criteria provided, single submitter. Criteria: ACMG Guidelines, 2015. Collection method: clinical testing. Allele origin: germline.
Comment: This variant is classified as likely benign based on ACMG/AMP sequence variant interpretation guidelines (Richards et al. 2015 PMID: 25741868, with internal and published modifications).

Blueprint Genetics
Classification: Likely benign. Last evaluated: 2024-11-04. Review status: criteria provided, single submitter. Criteria: ACMG Guidelines, 2015. Collection method: clinical testing. Allele origin: germline.

GeneDx
Classification: Likely benign. Last evaluated: 2020-04-06. Review status: criteria provided, single submitter. Criteria: GeneDx Variant Classification Process June 2021. Collection method: clinical testing. Allele origin: germline. Affected: yes.